The following is an entry in ClinVar:

NM_000548.5(TSC2):c.2637dup (p.Lys880fs)

Gene: TSC2 (TSC complex subunit 2; plus strand). Cytogenetic location: 16p13.3.
Variant type: Duplication.
Coding change: c.2637dup on transcript NM_000548.5 (MANE Select); coding-DNA position 2637, one base duplicated (C; older notation c.2637dupC).
Protein change: p.Lys880fs; shifts the reading frame from lysine 880.
Molecular consequence: frameshift variant. On other transcripts: non-coding transcript variant (5).
Genome position (GRCh38, 1-based): chr16:2,075,890, C duplicated; the last of 2 consecutive C bases (chr16:2,075,889-2,075,890); duplicating either gives the same sequence. VCF-style (leftmost placement, unchanged base first): chr16-2075888-T-TC. GRCh37 (hg19) VCF-style: chr16-2125889-T-TC.
Other names: c.2637dup, p.Lys880fs (NM_001077183.3, NM_021055.3, NM_001406665.1 and 6 more transcripts); c.2037dup, p.Lys680fs (NM_001406687.1, NM_001406688.1, NM_001406680.1 and 6 more transcripts); c.1293dup, p.Lys432fs (NM_001406689.1, NM_001406690.1, NM_001406691.1 and 6 more transcripts); c.1035dup, p.Lys346fs (NM_001406698.1); c.2727dup, p.Lys910fs (NM_001406667.1, NM_001406668.1); c.2526dup, p.Lys843fs (NM_001406670.1, NM_001406678.1, NM_001318827.2); c.2625dup, p.Lys876fs (NM_001406671.1, NM_001406673.1); c.2490dup, p.Lys831fs (NM_001406675.1, NM_001406676.1, NM_001406679.1 and 1 more transcripts); and 4 more; short protein forms K680fs, K861fs, K891fs, K831fs, K843fs, K880fs, K346fs, K876fs.
Identifiers: ClinVar variation 2751255 (VCV002751255.4), dbSNP rs2543892551, ClinGen allele CA2697549504.

ClinVar aggregate classification (germline): Pathogenic. Review status: criteria provided, multiple submitters, no conflicts (2 of 4 stars). 2 submissions from 2 submitters: Pathogenic (2). Last evaluated 2024-07-23.

Conditions:
Tuberous sclerosis 2 (TSC2). Identifiers: Orphanet 805, MedGen C1860707, MONDO:0013199, OMIM 613254.
Hereditary cancer-predisposing syndrome. Also called: Hereditary Cancer Syndrome; Tumor predisposition; Hereditary neoplastic syndrome; Neoplastic Syndromes, Hereditary. Identifiers: Orphanet 140162, MedGen C0027672, MeSH D009386, MONDO:0015356.

Submissions (2):

Ambry Genetics
Classification: Pathogenic for Hereditary cancer-predisposing syndrome. Last evaluated: 2024-07-23. Review status: criteria provided, single submitter. Criteria: Ambry Variant Classification Scheme 2023. Collection method: clinical testing. Allele origin: germline.
Comment: The c.2637dupC (p.K880Qfs*3) alteration, located in exon 23 (coding exon 22) of the TSC2 gene, consists of a duplication of C at position 2637, causing a translational frameshift with a predicted alternate stop codon after 3 amino acids. This alteration is expected to result in loss of function by premature protein truncation or nonsense-mediated mRNA decay. This variant was not reported in population-based cohorts in the Genome Aggregation Database (gnomAD). Based on the available evidence, this alteration is classified as pathogenic.

Labcorp Genetics (formerly Invitae), Labcorp
Classification: Pathogenic for Tuberous sclerosis 2. Last evaluated: 2023-08-09. Review status: criteria provided, single submitter. Criteria: Invitae Variant Classification Sherloc (09022015). Collection method: clinical testing. Allele origin: germline.
Comment: This sequence change creates a premature translational stop signal (p.Lys880Glnfs*3) in the TSC2 gene. It is expected to result in an absent or disrupted protein product. Loss-of-function variants in TSC2 are known to be pathogenic (PMID: 10205261, 17304050). This variant is not present in population databases (gnomAD no frequency). This variant has not been reported in the literature in individuals affected with TSC2-related conditions. For these reasons, this variant has been classified as Pathogenic.

Literature cited by the submitters: PubMed 10205261 (cited by Labcorp Genetics (formerly Invitae), Labcorp); PubMed 17304050 (cited by Labcorp Genetics (formerly Invitae), Labcorp).